The following is an entry in ClinVar:

ClinVar aggregate classification (germline): Uncertain significance. Review status: criteria provided, multiple submitters, no conflicts (2 of 4 stars). 3 submissions from 3 submitters: Uncertain significance (3). Last evaluated 2025-08-26.

Conditions:
Inborn genetic diseases. Identifiers: MedGen C0950123, MeSH D030342.
Intestinal hypomagnesemia 1. Also called: HYPOMAGNESEMIA, INTESTINAL, WITH SECONDARY HYPOCALCEMIA; HYPOMAGNESEMIC TETANY. Identifiers: Orphanet 30924, MedGen C1865974, MONDO:0011176, OMIM 602014.

Allele frequency attached by ClinVar (database versions not stated): TOPMed below 0.00001; gnomAD 0.00001 and 0.00003; gnomAD exomes 0.00001 and 0.00005; ExAC 0.00008; 1000 Genomes Project 0.00040; 1000 Genomes Project 30x 0.00047.
gnomAD v4.1: 16 of 1,614,078 alleles (0.00099%); highest among the groups gnomAD compares: East Asian, 0.036%; no homozygotes.

Submissions (3):

Ambry Genetics
Classification: Uncertain significance for Inborn genetic diseases. Last evaluated: 2025-08-26. Review status: criteria provided, single submitter. Criteria: Ambry Variant Classification Scheme 2023. Collection method: clinical testing. Allele origin: germline.

Fulgent Genetics
Classification: Uncertain significance for Intestinal hypomagnesemia 1. Last evaluated: 2021-07-16. Review status: criteria provided, single submitter. Criteria: ACMG Guidelines, 2015. Collection method: clinical testing. Allele origin: unknown.

GeneDx
Classification: Uncertain significance. Last evaluated: 2021-04-13. Review status: criteria provided, single submitter. Criteria: GeneDx Variant Classification Process June 2021. Collection method: clinical testing. Allele origin: germline. Affected: yes.
Comment: In silico analysis supports that this missense variant does not alter protein structure/function; Has not been previously published as pathogenic or benign to our knowledge

NM_017662.5(TRPM6):c.1756T>G (p.Ser586Ala)

Gene: TRPM6 (transient receptor potential cation channel subfamily M member 6; minus strand). Cytogenetic location: 9q21.13.
Variant type: single nucleotide variant.
Coding change: c.1756T>G on transcript NM_017662.5 (MANE Select); coding-DNA position 1756, T replaced by G.
Protein change: p.Ser586Ala; replaces serine 586 with alanine.
Molecular consequence: missense variant.
Genome position (GRCh38, 1-based): chr9:74,802,151, A>C on the plus strand (T>G on the coding strand, the complement: TRPM6 is on the minus strand). VCF-style: chr9-74802151-A-C. GRCh37 (hg19) VCF-style: chr9-77417067-A-C.
Other names: c.1741T>G, p.Ser581Ala (NM_001177310.2, NM_001177311.2); short protein forms S581A, S586A.
Identifiers: ClinVar variation 1314306 (VCV001314306.4), dbSNP rs191316620, ClinGen allele CA5084724.